The following is an entry in ClinVar:

ClinVar aggregate classification (germline): Uncertain significance (1 of 4 stars; one submission).

Submission:

GeneDx
Classification: Uncertain significance. Last evaluated: 2023-11-30. Review status: criteria provided, single submitter. Criteria: GeneDx Variant Classification Process June 2021. Collection method: clinical testing. Allele origin: germline. Affected: yes.
Comment: Not observed at significant frequency in large population cohorts (gnomAD); In silico analysis supports that this missense variant does not alter protein structure/function; Has not been previously published as pathogenic or benign to our knowledge

NM_001161352.2(KCNMA1):c.214C>T (p.Pro72Ser)

Gene: KCNMA1 (potassium calcium-activated channel subfamily M alpha 1; minus strand). Cytogenetic location: 10q22.3.
Variant type: single nucleotide variant.
Coding change: c.214C>T on transcript NM_001161352.2 (MANE Select); coding-DNA position 214, C replaced by T.
Protein change: p.Pro72Ser; replaces proline 72 with serine.
Molecular consequence: missense variant.
Genome position (GRCh38, 1-based): chr10:77,637,429, G>A on the plus strand (C>T on the coding strand, the complement: KCNMA1 is on the minus strand). VCF-style: chr10-77637429-G-A. GRCh37 (hg19) VCF-style: chr10-79397187-G-A.
Other names: c.214C>T, p.Pro72Ser (NM_001014797.3, NM_001161353.2, NM_001271518.2 and 13 more transcripts); short protein forms P72S.
Identifiers: ClinVar variation 3365048 (VCV003365048.1).